The following is an entry in ClinVar:

ClinVar aggregate classification (germline): Pathogenic. Review status: reviewed by expert panel (3 of 4 stars). 2 submissions from 2 submitters: Pathogenic (1). 1 of the submissions does not count toward it. Last evaluated 2016-09-08.

Conditions:
Breast-ovarian cancer, familial, susceptibility to, 2 (BROVCA2). Also called: BRCA2 Hereditary Breast and Ovarian Cancer. Identifiers: Orphanet 145, MedGen C2675520, MONDO:0012933, OMIM 612555. Disease mechanism: loss of function.
Familial cancer of breast. Also called: BREAST CANCER, FAMILIAL; hereditary breast carcinoma; Hereditary breast cancer. Identifiers: Orphanet 227535, MedGen C0346153, MONDO:0016419, OMIM 114480. Disease mechanism: loss of function.

Submissions (2):

Evidence-based Network for the Interpretation of Germline Mutant Alleles (ENIGMA)
Classification: Pathogenic for Breast-ovarian cancer, familial, susceptibility to, 2. Last evaluated: 2016-09-08. Review status: reviewed by expert panel. Criteria: ENIGMA BRCA1/2 Classification Criteria (2015). Collection method: curation. Allele origin: germline.
Comment: Variant allele predicted to encode a truncated non-functional protein.

Faculty of Pharmacy, Ain Shams University
Classification: Pathogenic for Familial Breast cancer. Last evaluated: 2013-01-12. Review status: no assertion criteria provided. Collection method: clinical testing. Allele origin: germline. Inheritance: Autosomal dominant inheritance. Affected: yes. Observed: 2 variant alleles. Not counted in ClinVar's aggregate classification.
Comment: This deletion results in frameshift and termination of BRCA2 protein translation at codon 1227. A previously described mutation is reported in BIC database (c.3638_3638delA) creates a stopcodon in the same position and is reported to be of clinical significance.

Determine the profile of BRCA1/2 mutations in Egyptian female breast cancer patients

NM_000059.4(BRCA2):c.3641del (p.Val1214fs)

Gene: BRCA2 (BRCA2 DNA repair associated; plus strand). Cytogenetic location: 13q13.1.
Variant type: Deletion.
Coding change: c.3641del on transcript NM_000059.4 (MANE Select); coding-DNA position 3641, one base deleted (T; older notation c.3641delT).
Protein change: p.Val1214fs; shifts the reading frame from valine 1214.
Molecular consequence: frameshift variant.
Genome position (GRCh38, 1-based): chr13:32,337,996, T deleted. VCF-style (leftmost placement, unchanged base first): chr13-32337995-GT-G. GRCh37 (hg19) VCF-style: chr13-32912132-GT-G.
Other names: 3869delT; c.3641delT (NM_000059.3); short protein forms V1214fs.
Identifiers: ClinVar variation 162105 (VCV000162105.5), dbSNP rs690016542, ClinGen allele CA018454.
Genomic context (GRCh38, chr13:32,337,995, plus strand): 5'-GGCCTGTTGAAAAATGACTGTAACAAAAGTGCTTCTGGTTATTTAACAGATGAAAATGAA[GT>G]GGGGTTTAGGGGCTTTTATTCTGCTCATGGCACAAAACTGAATGTTTCTACTGAAGCTCT-3'